The following is an entry in ClinVar:

ClinVar aggregate classification (germline): Uncertain significance (1 of 4 stars; one submission).

Conditions:
Early Myoclonic Encephalopathy. Identifiers: MedGen C0270855.

gnomAD v4.1: 2 of 1,611,396 alleles (0.00012%); no homozygotes.

Submission:

Labcorp Genetics (formerly Invitae), Labcorp
Classification: Uncertain significance for Early Myoclonic Encephalopathy. Last evaluated: 2023-02-28. Review status: criteria provided, single submitter. Criteria: Invitae Variant Classification Sherloc (09022015). Collection method: clinical testing. Allele origin: germline.
Comment: An algorithm developed to predict the effect of missense changes on protein structure and function (PolyPhen-2) suggests that this variant is likely to be disruptive. This variant has not been reported in the literature in individuals affected with JMJD1C-related conditions. This variant is not present in population databases (gnomAD no frequency). This sequence change replaces glycine, which is neutral and non-polar, with serine, which is neutral and polar, at codon 253 of the JMJD1C protein (p.Gly253Ser). Algorithms developed to predict the effect of sequence changes on RNA splicing suggest that this variant may disrupt the consensus splice site. In summary, the available evidence is currently insufficient to determine the role of this variant in disease. Therefore, it has been classified as a Variant of Uncertain Significance.

NM_032776.3(JMJD1C):c.757G>A (p.Gly253Ser)

Gene: JMJD1C (jumonji domain containing 1C; minus strand). Cytogenetic location: 10q21.3.
Variant type: single nucleotide variant.
Coding change: c.757G>A on transcript NM_032776.3 (MANE Select); coding-DNA position 757, G replaced by A.
Protein change: p.Gly253Ser; replaces glycine 253 with serine.
Molecular consequence: missense variant. On other transcripts: 5 prime UTR variant (1), non-coding transcript variant (1).
Genome position (GRCh38, 1-based): chr10:63,215,618, C>T on the plus strand (G>A on the coding strand, the complement: JMJD1C is on the minus strand). VCF-style: chr10-63215618-C-T. GRCh37 (hg19) VCF-style: chr10-64975378-C-T.
Other names: c.211G>A, p.Gly71Ser (NM_001282948.2, NM_001318154.2); c.-112G>A (NM_001318153.2); c.643G>A, p.Gly215Ser (NM_001322252.2); c.100G>A, p.Gly34Ser (NM_001322254.2, NM_001322258.2); short protein forms G215S, G253S, G34S, G71S.
Identifiers: ClinVar variation 2841648 (VCV002841648.3), dbSNP rs2492802294, ClinGen allele CA377052092.